The following is an entry in ClinVar:

NM_006218.4(PIK3CA):c.3115T>A (p.Phe1039Ile)

Gene: PIK3CA (phosphatidylinositol-4,5-bisphosphate 3-kinase catalytic subunit alpha; plus strand). Cytogenetic location: 3q26.32.
Variant type: single nucleotide variant.
Coding change: c.3115T>A on transcript NM_006218.4 (MANE Select); coding-DNA position 3115, T replaced by A.
Protein change: p.Phe1039Ile; replaces phenylalanine 1039 with isoleucine.
Molecular consequence: missense variant.
Genome position (GRCh38, 1-based): chr3:179,234,272, T>A. VCF-style: chr3-179234272-T-A. GRCh37 (hg19) VCF-style: chr3-178952060-T-A.
Other names: short protein forms F1039I.
Identifiers: ClinVar variation 3225366 (VCV003225366.1), dbSNP rs2108429781, ClinGen allele CA355285760.

ClinVar aggregate classification (germline): Uncertain significance (1 of 4 stars; one submission).

Conditions:
Inborn genetic diseases. Identifiers: MedGen C0950123, MeSH D030342.

Submission:

Ambry Genetics
Classification: Uncertain significance for Inborn genetic diseases. Last evaluated: 2023-12-21. Review status: criteria provided, single submitter. Criteria: Ambry Variant Classification Scheme 2023. Collection method: clinical testing. Allele origin: germline.
Comment: The p.F1039I variant (also known as c.3115T>A), located in coding exon 20 of the PIK3CA gene, results from a T to A substitution at nucleotide position 3115. The phenylalanine at codon 1039 is replaced by isoleucine, an amino acid with highly similar properties. This amino acid position is conserved. In addition, this alteration is predicted to be deleterious by in silico analysis. Since supporting evidence is limited at this time, the clinical significance of this alteration remains unclear.